The following is an entry in ClinVar:

NM_006662.3(SRCAP):c.7891A>T (p.Thr2631Ser)

Gene: SRCAP (Snf2 related CREBBP activator protein; plus strand). Cytogenetic location: 16p11.2.
Variant type: single nucleotide variant.
Coding change: c.7891A>T on transcript NM_006662.3 (MANE Select); coding-DNA position 7891, A replaced by T.
Protein change: p.Thr2631Ser; replaces threonine 2631 with serine.
Molecular consequence: missense variant.
Genome position (GRCh38, 1-based): chr16:30,737,931, A>T. VCF-style: chr16-30737931-A-T. GRCh37 (hg19) VCF-style: chr16-30749252-A-T.
Other names: short protein forms T2631S.
Identifiers: ClinVar variation 4708729 (VCV004708729.3).

ClinVar aggregate classification (germline): Uncertain significance. Review status: criteria provided, multiple submitters, no conflicts (2 of 4 stars). 2 submissions from 2 submitters: Uncertain significance (2). Last evaluated 2026-03-26.

gnomAD v4.1: 4 of 1,614,072 alleles (0.00025%); highest among the groups gnomAD compares: Middle Eastern, 0.016%; no homozygotes.

Submissions (2):

Dasa
Classification: Uncertain significance. Last evaluated: 2026-03-26. Review status: criteria provided, single submitter. Criteria: DASA Assertion Criteria. Collection method: clinical testing. Allele origin: germline.
Comment: NM_006662.3(SRCAP):c.7891A>T (p.Thr2631Ser) is a missense variant that results in the substitution of threonine with serine. This variant is rare in population databases. Computational prediction algorithms are consistent with a benign effect. The currently available literature and clinical evidence are not sufficient to establish a definitive association between this variant and the reported condition. Therefore, this variant is classified as a variant of uncertain significance.

Labcorp Genetics (formerly Invitae), Labcorp
Classification: Uncertain significance. Last evaluated: 2025-04-19. Review status: criteria provided, single submitter. Criteria: Invitae Variant Classification Sherloc (09022015). Collection method: clinical testing. Allele origin: germline.
Comment: This sequence change replaces threonine, which is neutral and polar, with serine, which is neutral and polar, at codon 2631 of the SRCAP protein (p.Thr2631Ser). This variant is present in population databases (rs146127771, gnomAD 0.0009%). This variant has not been reported in the literature in individuals affected with SRCAP-related conditions. Invitae Evidence Modeling of protein sequence and biophysical properties (such as structural, functional, and spatial information, amino acid conservation, physicochemical variation, residue mobility, and thermodynamic stability) indicates that this missense variant is not expected to disrupt SRCAP protein function with a negative predictive value of 80%. In summary, the available evidence is currently insufficient to determine the role of this variant in disease. Therefore, it has been classified as a Variant of Uncertain Significance.